The following is an entry in ClinVar:

NM_000038.6(APC):c.3691C>G (p.Leu1231Val)

Gene: APC (APC regulator of Wnt signaling pathway; plus strand). Cytogenetic location: 5q22.2.
Variant type: single nucleotide variant.
Coding change: c.3691C>G on transcript NM_000038.6 (MANE Select); coding-DNA position 3691, C replaced by G.
Protein change: p.Leu1231Val; replaces leucine 1231 with valine.
Molecular consequence: missense variant.
Genome position (GRCh38, 1-based): chr5:112,839,285, C>G. VCF-style: chr5-112839285-C-G. GRCh37 (hg19) VCF-style: chr5-112174982-C-G.
Other names: c.3691C>G, p.Leu1231Val (NM_001127510.3, NM_001354895.2); c.3637C>G, p.Leu1213Val (NM_001127511.3); c.3745C>G, p.Leu1249Val (NM_001354896.2); c.3721C>G, p.Leu1241Val (NM_001354897.2); c.3616C>G, p.Leu1206Val (NM_001354898.2); c.3607C>G, p.Leu1203Val (NM_001354899.2); c.3568C>G, p.Leu1190Val (NM_001354900.2); c.3514C>G, p.Leu1172Val (NM_001354901.2); and 5 more; short protein forms L1213V, L1231V, L1130V, L1206V, L1241V, L1249V, L1105V, L1172V.
Identifiers: ClinVar variation 142015 (VCV000142015.27), dbSNP rs573020080, ClinGen allele CA008636.

ClinVar aggregate classification (germline): Conflicting classifications of pathogenicity. Review status: criteria provided, conflicting classifications (1 of 4 stars). 6 submissions from 6 submitters: Uncertain significance (5); Likely benign (1). Last evaluated 2025-10-28.

Conditions:
Classic or attenuated familial adenomatous polyposis. Identifiers: MedGen CN372698, MONDO:0021057.
Hereditary cancer-predisposing syndrome. Also called: Neoplastic Syndromes, Hereditary; Tumor predisposition; Hereditary Cancer Syndrome; Hereditary neoplastic syndrome. Identifiers: Orphanet 140162, MedGen C0027672, MeSH D009386, MONDO:0015356.
Familial adenomatous polyposis 1 (FAP1). Also called: FAMILIAL ADENOMATOUS POLYPOSIS 1, ATTENUATED; POLYPOSIS, ADENOMATOUS INTESTINAL. Identifiers: MedGen C2713442, MONDO:0021056, OMIM 175100. Disease mechanism: loss of function.

gnomAD v4.1: 5 of 1,614,156 alleles (0.00031%); highest among the groups gnomAD compares: Non-Finnish European, 0.00042%; no homozygotes.

Submissions (6):

Labcorp Genetics (formerly Invitae), Labcorp
Classification: Uncertain significance for Familial adenomatous polyposis 1. Last evaluated: 2025-10-28. Review status: criteria provided, single submitter. Criteria: Invitae Variant Classification Sherloc (09022015). Collection method: clinical testing. Allele origin: germline.
Comment: This sequence change replaces leucine, which is neutral and non-polar, with valine, which is neutral and non-polar, at codon 1231 of the APC protein (p.Leu1231Val). This variant is not present in population databases (gnomAD no frequency). This missense change has been observed in individual(s) with clinical features of APC-related conditions. However, in that individual a pathogenic allele was also identified in APC. (PMID: 24599579). ClinVar contains an entry for this variant (Variation ID: 142015). Invitae Evidence Modeling of protein sequence and biophysical properties (such as structural, functional, and spatial information, amino acid conservation, physicochemical variation, residue mobility, and thermodynamic stability) indicates that this missense variant is not expected to disrupt APC protein function with a negative predictive value of 95%. In summary, the available evidence is currently insufficient to determine the role of this variant in disease. Therefore, it has been classified as a Variant of Uncertain Significance.

All of Us Research Program, National Institutes of Health
Classification: Uncertain significance for Classic or attenuated familial adenomatous polyposis. Last evaluated: 2024-02-22. Review status: criteria provided, single submitter. Criteria: ACMG Guidelines, 2015. Collection method: clinical testing. Allele origin: germline. Inheritance: Autosomal dominant inheritance. Observed: 4 variant alleles, 4 heterozygotes.
Comment: This missense variant replaces leucine with valine at codon 1231 of the APC protein. Computational prediction suggests that this variant may not impact protein structure and function (internally defined REVEL score threshold <= 0.5, PMID: 27666373). Splice site prediction tools suggest that this variant may not impact RNA splicing. To our knowledge, functional studies have not been performed for this variant. This variant has been reported in an individual affected with polyposis and a pathogenic APC c.3602C>A (p.Ser1201*) co-variant, although the phasing of the two variants was not reported (PMID: 24599579). This variant has also been reported in an individual affected with breast cancer (PMID: 25186627). This variant has not been identified in the general population by the Genome Aggregation Database (gnomAD). The available evidence is insufficient to determine the role of this variant in disease conclusively. Therefore, this variant is classified as a Variant of Uncertain Significance.

This study involves interpretation of variants in research participants for the purpose of population health screening. Participant phenotype was not available at the time of variant classification. Additional details can be found in publication PMID: 35346344, PMCID: PMC8962531

Baylor Genetics
Classification: Uncertain significance for Familial adenomatous polyposis 1. Last evaluated: 2023-08-24. Review status: criteria provided, single submitter. Criteria: ACMG Guidelines, 2015. Collection method: clinical testing. Allele origin: unknown.

Color Diagnostics, LLC DBA Color Health
Classification: Uncertain significance for Hereditary cancer-predisposing syndrome. Last evaluated: 2023-02-08. Review status: criteria provided, single submitter. Criteria: ACMG Guidelines, 2015. Collection method: clinical testing. Allele origin: germline.
Comment: This missense variant replaces leucine with valine at codon 1231 of the APC protein. Computational prediction suggests that this variant may not impact protein structure and function (internally defined REVEL score threshold <= 0.5, PMID: 27666373). To our knowledge, functional studies have not been performed for this variant. This variant has been reported in an individual affected with polyposis and a pathogenic APC c.3602C>A (p.Ser1201*) co-variant, although the phasing of the two variants was not reported (PMID: 24599579). This variant has also been reported in an individual affected with breast cancer (PMID: 25186627). This variant has not been identified in the general population by the Genome Aggregation Database (gnomAD). The available evidence is insufficient to determine the role of this variant in disease conclusively. Therefore, this variant is classified as a Variant of Uncertain Significance.

GeneDx
Classification: Uncertain significance. Last evaluated: 2023-01-03. Review status: criteria provided, single submitter. Criteria: GeneDx Variant Classification Process June 2021. Collection method: clinical testing. Allele origin: germline. Affected: yes.
Comment: Not observed at significant frequency in large population cohorts (gnomAD); In silico analysis supports that this missense variant does not alter protein structure/function; Observed in an individual undergoing APC testing who was also identified to carry another APC variant (Grandval et al., 2014); This variant is associated with the following publications: (PMID: 24599579)

Ambry Genetics
Classification: Likely benign for Hereditary cancer-predisposing syndrome. Last evaluated: 2016-08-19. Review status: criteria provided, single submitter. Criteria: Ambry Variant Classification Scheme 2023. Collection method: clinical testing. Allele origin: germline.

Literature cited by the submitters: PubMed 24599579 (cited by 3 submitters); PubMed 25186627 (cited by All of Us Research Program, National Institutes of Health and Color Diagnostics, LLC DBA Color Health).